The following is an entry in ClinVar:

NM_016284.5(CNOT1):c.743A>G (p.Lys248Arg)

Gene: CNOT1 (CCR4-NOT transcription complex subunit 1; minus strand). Cytogenetic location: 16q21.
Variant type: single nucleotide variant.
Coding change: c.743A>G on transcript NM_016284.5 (MANE Select); coding-DNA position 743, A replaced by G.
Protein change: p.Lys248Arg; replaces lysine 248 with arginine.
Molecular consequence: missense variant. On other transcripts: non-coding transcript variant (1).
Genome position (GRCh38, 1-based): chr16:58,585,401, T>C on the plus strand (A>G on the coding strand, the complement: CNOT1 is on the minus strand). VCF-style: chr16-58585401-T-C. GRCh37 (hg19) VCF-style: chr16-58619305-T-C.
Other names: c.743A>G, p.Lys248Arg (NM_001265612.2, NM_206999.3); short protein forms K248R.
Identifiers: ClinVar variation 2104203 (VCV002104203.5), dbSNP rs752463103, ClinGen allele CA8090085.

ClinVar aggregate classification (germline): Uncertain significance. Review status: criteria provided, multiple submitters, no conflicts (2 of 4 stars). 2 submissions from 2 submitters: Uncertain significance (2). Last evaluated 2024-09-09.

Conditions:
Inborn genetic diseases. Identifiers: MedGen C0950123, MeSH D030342.

Allele frequency attached by ClinVar (database versions not stated): TOPMed below 0.00001; gnomAD 0.00001; ExAC 0.00002; gnomAD exomes 0.00002.

Submissions (2):

Labcorp Genetics (formerly Invitae), Labcorp
Classification: Uncertain significance. Last evaluated: 2024-09-09. Review status: criteria provided, single submitter. Criteria: Invitae Variant Classification Sherloc (09022015). Collection method: clinical testing. Allele origin: germline.
Comment: This sequence change replaces lysine, which is basic and polar, with arginine, which is basic and polar, at codon 248 of the CNOT1 protein (p.Lys248Arg). This variant is present in population databases (rs752463103, gnomAD 0.02%). This variant has not been reported in the literature in individuals affected with CNOT1-related conditions. ClinVar contains an entry for this variant (Variation ID: 2104203). An algorithm developed to predict the effect of missense changes on protein structure and function (PolyPhen-2) suggests that this variant is likely to be tolerated. In summary, the available evidence is currently insufficient to determine the role of this variant in disease. Therefore, it has been classified as a Variant of Uncertain Significance.

Ambry Genetics
Classification: Uncertain significance for Inborn genetic diseases. Last evaluated: 2021-07-09. Review status: criteria provided, single submitter. Criteria: Ambry Variant Classification Scheme 2023. Collection method: clinical testing. Allele origin: germline.